The following is an entry in ClinVar:

NM_000417.3(IL2RA):c.76G>C (p.Asp26His)

Gene: IL2RA (interleukin 2 receptor subunit alpha; minus strand). Cytogenetic location: 10p15.1.
Variant type: single nucleotide variant.
Coding change: c.76G>C on transcript NM_000417.3 (MANE Select); coding-DNA position 76, G replaced by C.
Protein change: p.Asp26His; replaces aspartic acid 26 with histidine.
Molecular consequence: missense variant.
Genome position (GRCh38, 1-based): chr10:6,026,014, C>G on the plus strand (G>C on the coding strand, the complement: IL2RA is on the minus strand). VCF-style: chr10-6026014-C-G. GRCh37 (hg19) VCF-style: chr10-6067977-C-G.
Other names: c.76G>C, p.Asp26His (NM_001308242.2, NM_001308243.2); short protein forms D26H.
Identifiers: ClinVar variation 534227 (VCV000534227.16), dbSNP rs55868253, ClinGen allele CA5397550.

ClinVar aggregate classification (germline): Uncertain significance. Review status: criteria provided, multiple submitters, no conflicts (2 of 4 stars). 9 submissions from 9 submitters: Uncertain significance (7). 2 of the submissions do not count toward it. Last evaluated 2025-06-30.

Conditions:
Immunodeficiency due to CD25 deficiency. Also called: IL2RA DEFICIENCY; CD25 DEFICIENCY; IMMUNODEFICIENCY 41 WITH LYMPHOPROLIFERATION AND AUTOIMMUNITY. Identifiers: Orphanet 169100, MedGen C1853392, MONDO:0011664, OMIM 606367.

Allele frequency attached by ClinVar (database versions not stated): ESP Exome Variant Server 0.00054; TOPMed 0.00059.
gnomAD v4.1: 1,348 of 1,612,860 alleles (0.084%); highest among the groups gnomAD compares: Non-Finnish European, 0.1%; no homozygotes.

Submissions (9):

GeneDx
Classification: Uncertain significance. Last evaluated: 2025-06-30. Review status: criteria provided, single submitter. Criteria: GeneDx Variant Classification Process June 2021. Collection method: clinical testing. Allele origin: germline. Affected: yes.
Comment: Has not been previously reported in peer-reviewed literature as pathogenic or benign in association with IL2RA-related disorders to our knowledge. However, in an abstract by Bloom et al., it was reported heterozygous in a proband with failure to thrive, rash, anemia, and polyarthritis, but this individual did not have another IL2RA variant identified on the other allele and did have another potentially causative variant in a different gene (PMID: 32394034).; In silico analysis supports that this missense variant has a deleterious effect on protein structure/function; This variant is associated with the following publications: (PMID: 32394034, 33442025)

Blueprint Genetics
Classification: Uncertain significance. Last evaluated: 2024-11-27. Review status: criteria provided, single submitter. Criteria: ACMG Guidelines, 2015. Collection method: clinical testing. Allele origin: germline.

Labcorp Genetics (formerly Invitae), Labcorp
Classification: Uncertain significance for Immunodeficiency due to CD25 deficiency. Last evaluated: 2022-10-14. Review status: criteria provided, single submitter. Criteria: Invitae Variant Classification Sherloc (09022015). Collection method: clinical testing. Allele origin: germline.
Comment: This sequence change replaces aspartic acid, which is acidic and polar, with histidine, which is basic and polar, at codon 26 of the IL2RA protein (p.Asp26His). This variant is present in population databases (rs55868253, gnomAD 0.09%), and has an allele count higher than expected for a pathogenic variant. This variant has not been reported in the literature in individuals affected with IL2RA-related conditions. ClinVar contains an entry for this variant (Variation ID: 534227). Algorithms developed to predict the effect of missense changes on protein structure and function output the following: SIFT: "Tolerated"; PolyPhen-2: "Benign"; Align-GVGD: "Class C0". The histidine amino acid residue is found in multiple mammalian species, which suggests that this missense change does not adversely affect protein function. In summary, the available evidence is currently insufficient to determine the role of this variant in disease. Therefore, it has been classified as a Variant of Uncertain Significance.

New York Genome Center
Classification: Uncertain significance for Immunodeficiency due to CD25 deficiency. Last evaluated: 2021-07-23. Review status: criteria provided, single submitter. Criteria: NYGC Assertion Criteria 2020. Collection method: clinical testing. Allele origin: inherited. Observed: 1 heterozygote. Study: CSER-NYCKidSeq.

Baylor Genetics
Classification: Uncertain significance for Immunodeficiency due to CD25 deficiency. Last evaluated: 2019-09-13. Review status: criteria provided, single submitter. Criteria: ACMG Guidelines, 2015. Collection method: clinical testing. Allele origin: unknown. Affected: yes.
Comment: This variant was determined to be of uncertain significance according to ACMG Guidelines, 2015 [PMID:25741868].

Illumina Laboratory Services, Illumina
Classification: Uncertain significance for Immunodeficiency due to CD25 deficiency. Last evaluated: 2017-06-27. Review status: criteria provided, single submitter. Criteria: ICSL Variant Classification Criteria 13 December 2019. Collection method: clinical testing. Allele origin: germline.
Comment: This variant was observed as part of a predisposition screen in an ostensibly healthy population. A literature search was performed for the gene, cDNA change, and amino acid change (where applicable). Publications were found based on this search. However, the evidence from the literature, in combination with allele frequency data from public databases where available, was not sufficient to rule this variant in or out of causing disease. Therefore, this variant is classified as a variant of unknown significance.

Breakthrough Genomics
Classification: Uncertain significance. Review status: criteria provided, single submitter. Criteria: ACMG Guidelines, 2015. Collection method: not provided. Allele origin: germline. Inheritance: Autosomal recessive inheritance. Affected: yes.

Clinical Genetics DNA and cytogenetics Diagnostics Lab, Erasmus MC, Erasmus Medical Center
Classification: Likely benign. Review status: no assertion criteria provided. Collection method: clinical testing. Allele origin: germline. Affected: yes. Study: VKGL Data-share Consensus. Not counted in ClinVar's aggregate classification.

Genome Diagnostics Laboratory, University Medical Center Utrecht
Classification: Likely benign. Review status: no assertion criteria provided. Collection method: clinical testing. Allele origin: germline. Affected: yes. Study: VKGL Data-share Consensus. Not counted in ClinVar's aggregate classification.

Literature cited by the submitters: PubMed 23261300 (cited by Illumina Laboratory Services, Illumina).